The following is an entry in ClinVar:

ClinVar aggregate classification (germline): Uncertain significance (1 of 4 stars; one submission).

Conditions:
Renal cysts and diabetes syndrome (RCAD). Also called: MATURITY-ONSET DIABETES OF THE YOUNG, TYPE 5; Familial hypoplastic, glomerulocystic kidney. Identifiers: Orphanet 93111, MedGen C0431693, MONDO:0007669, OMIM 137920.

gnomAD v4.1: 1 of 1,604,884 alleles (0.000062%); highest among the groups gnomAD compares: Non-Finnish European, 0.000085%; no homozygotes.

Submission:

MVZ Medizinische Genetik Mainz
Classification: Uncertain significance for Renal cysts and diabetes syndrome. Last evaluated: 2026-07-09. Review status: criteria provided, single submitter. Criteria: UK Practice Guidelines For Variant Classification V4 01 2020. Collection method: clinical testing. Allele origin: germline. Inheritance: Autosomal dominant inheritance. Affected: yes. Observed: 1 variant allele.
Comment: ACMG Criteria: PM2_SUP,PP3

NM_000458.4(HNF1B):c.1653+3A>T

Gene: HNF1B (HNF1 homeobox B; minus strand). Cytogenetic location: 17q12.
Variant type: single nucleotide variant.
Coding change: c.1653+3A>T on transcript NM_000458.4 (MANE Select); 3 bases into the intron after coding-DNA position 1653, A replaced by T.
Molecular consequence: intron variant.
Genome position (GRCh38, 1-based): chr17:37,699,073, T>A on the plus strand (A>T on the coding strand, the complement: HNF1B is on the minus strand). VCF-style: chr17-37699073-T-A. GRCh37 (hg19) VCF-style: chr17-36059079-T-A.
Other names: c.1261+5844A>T (NM_001304286.2); c.1575+3A>T (NM_001165923.4); c.1534+1910A>T (NM_001411100.1).
Identifiers: ClinVar variation 4879865 (VCV004879865.1).
Genomic context (GRCh38, chr17:37,699,073, plus strand): 5'-CACATCCATGGCCTTATCACACCCTGCCCACACCCCAACCCCCGCAAATCCTGCTGGCAT[T>A]ACCTGTTTACTTGAAGACATGTTGGTGAGTGTACTGATGCTGCTGGTATCTGTGACCACC-3'